The following is an entry in ClinVar:

NM_001267550.2(TTN):c.34201G>A (p.Glu11401Lys)

Gene: TTN (titin; minus strand). Cytogenetic location: 2q31.2.
Variant type: single nucleotide variant.
Coding change: c.34201G>A on transcript NM_001267550.2 (MANE Select); coding-DNA position 34201, G replaced by A.
Protein change: p.Glu11401Lys; replaces glutamic acid 11401 with lysine.
Molecular consequence: missense variant. On other transcripts: intron variant (3).
Genome position (GRCh38, 1-based): chr2:178,677,711, C>T on the plus strand (G>A on the coding strand, the complement: TTN is on the minus strand). VCF-style: chr2-178677711-C-T. GRCh37 (hg19) VCF-style: chr2-179542438-C-T.
Other names: c.33250G>A, p.Glu11084Lys (NM_001256850.1); c.30469G>A, p.Glu10157Lys (NM_133378.4); c.13283-35394G>A (NM_003319.4); c.13859-35394G>A (NM_133437.4); c.13658-35394G>A (NM_133432.3); short protein forms E10157K, E11401K, E11084K.
Identifiers: ClinVar variation 332882 (VCV000332882.13), dbSNP rs765827814, ClinGen allele CA1998122.

ClinVar aggregate classification (germline): Conflicting classifications of pathogenicity. Review status: criteria provided, conflicting classifications (1 of 4 stars). 8 submissions from 4 submitters: Uncertain significance (6); Benign (2). Last evaluated 2019-06-17.

Conditions:
Dilated cardiomyopathy 1G (CMD1G). Identifiers: Orphanet 154, MedGen C1858763, MONDO:0011400, OMIM 604145.
Autosomal recessive limb-girdle muscular dystrophy type 2J (LGMDR10). Also called: MUSCULAR DYSTROPHY, LIMB-GIRDLE, AUTOSOMAL RECESSIVE 10; Limb-girdle muscular dystrophy, type 2J. Identifiers: Orphanet 140922, MedGen C1837342, MONDO:0012127, OMIM 608807.
Early-onset myopathy with fatal cardiomyopathy (CMYO5). Also called: CONGENITAL MYOPATHY 5 WITH CARDIOMYOPATHY; Salih Myopathy. Identifiers: Orphanet 289377, MedGen C2673677, MONDO:0012714, OMIM 611705. Disease mechanism: loss of function.
Myopathy, myofibrillar, 9, with early respiratory failure (MFM9). Also called: Myopathy, distal, with early respiratory failure, autosomal dominant; Hereditary myopathy with early respiratory failure; EDSTROM MYOPATHY; MYOPATHY, PROXIMAL, WITH EARLY RESPIRATORY MUSCLE INVOLVEMENT. Identifiers: Orphanet 178464, Orphanet 34521, MedGen C1863599, MONDO:0011362, OMIM 603689.
Tibial muscular dystrophy (TMD). Also called: Udd Distal Myopathy – Tibial Muscular Dystrophy; UDD MYOPATHY; Tibial muscular dystrophy, tardive. Identifiers: Orphanet 609, MedGen C1838244, MONDO:0010870, OMIM 600334.

Allele frequency attached by ClinVar (database versions not stated): gnomAD 0.00001 and 0.00002; TOPMed 0.00003; gnomAD exomes 0.00009 and 0.00010; ExAC 0.00010.
gnomAD v4.1: 139 of 1,612,684 alleles (0.0086%); highest among the groups gnomAD compares: South Asian, 0.067%; no homozygotes.

Submissions (8):

Revvity Omics, Revvity
Classification: Uncertain significance. Last evaluated: 2019-06-17. Review status: criteria provided, single submitter. Criteria: ACMG Guidelines, 2015. Collection method: clinical testing. Allele origin: germline.

Illumina Laboratory Services, Illumina
Classification: Uncertain significance for Autosomal recessive limb-girdle muscular dystrophy type 2J. Last evaluated: 2018-01-13. Review status: criteria provided, single submitter. Criteria: ICSL Variant Classification Criteria 13 December 2019. Collection method: clinical testing. Allele origin: germline.

Illumina Laboratory Services, Illumina
Classification: Benign for Tibial muscular dystrophy. Last evaluated: 2018-01-13. Review status: criteria provided, single submitter. Criteria: ICSL Variant Classification Criteria 13 December 2019. Collection method: clinical testing. Allele origin: germline.
Comment: This variant was observed in the ICSL laboratory as part of a predisposition screen in an ostensibly healthy population. It had not been previously curated by ICSL or reported in the Human Gene Mutation Database (HGMD: prior to June 1st, 2018), and was therefore a candidate for classification through an automated scoring system. Utilizing variant allele frequency, disease prevalence and penetrance estimates, and inheritance mode, an automated score was calculated to assess if this variant is too frequent to cause the disease. Based on the score and internal cut-off values, a variant classified as benign is not then subjected to further curation. The score for this variant resulted in a classification of benign for this disease.

Illumina Laboratory Services, Illumina
Classification: Benign for Myopathy, myofibrillar, 9, with early respiratory failure. Last evaluated: 2018-01-13. Review status: criteria provided, single submitter. Criteria: ICSL Variant Classification Criteria 13 December 2019. Collection method: clinical testing. Allele origin: germline.
Comment: the same text as in the submission from Illumina Laboratory Services, Illumina above.

Illumina Laboratory Services, Illumina
Classification: Uncertain significance for Early-onset myopathy with fatal cardiomyopathy. Last evaluated: 2018-01-13. Review status: criteria provided, single submitter. Criteria: ICSL Variant Classification Criteria 13 December 2019. Collection method: clinical testing. Allele origin: germline.

Illumina Laboratory Services, Illumina
Classification: Uncertain significance for Dilated cardiomyopathy 1G. Last evaluated: 2018-01-13. Review status: criteria provided, single submitter. Criteria: ICSL Variant Classification Criteria 13 December 2019. Collection method: clinical testing. Allele origin: germline.

Labcorp Genetics (formerly Invitae), Labcorp
Classification: Uncertain significance for Dilated cardiomyopathy 1G; Autosomal recessive limb-girdle muscular dystrophy type 2J. Last evaluated: 2017-08-25. Review status: criteria provided, single submitter. Criteria: Invitae Variant Classification Sherloc (09022015). Collection method: clinical testing. Allele origin: germline.

Eurofins Ntd Llc (ga)
Classification: Uncertain significance. Last evaluated: 2016-11-10. Review status: criteria provided, single submitter. Criteria: EGL Classification Definitions 2015. Collection method: clinical testing. Allele origin: germline. Observed: 1 variant allele, 1 heterozygote.